The following is an entry in ClinVar:

NM_032447.5(FBN3):c.2048T>A (p.Ile683Asn)

Gene: FBN3 (fibrillin 3; minus strand). Cytogenetic location: 19p13.2.
Variant type: single nucleotide variant.
Coding change: c.2048T>A on transcript NM_032447.5 (MANE Select); coding-DNA position 2048, T replaced by A.
Protein change: p.Ile683Asn; replaces isoleucine 683 with asparagine.
Molecular consequence: missense variant.
Genome position (GRCh38, 1-based): chr19:8,129,362, A>T on the plus strand (T>A on the coding strand, the complement: FBN3 is on the minus strand). VCF-style: chr19-8129362-A-T. GRCh37 (hg19) VCF-style: chr19-8194246-A-T.
Other names: c.2048T>A, p.Ile683Asn (NM_001321431.2); short protein forms I683N.
Identifiers: ClinVar variation 3677576 (VCV003677576.2).

ClinVar aggregate classification (germline): Uncertain significance (1 of 4 stars; one submission).

gnomAD v4.1: 1 of 1,613,940 alleles (0.000062%); highest among the groups gnomAD compares: Admixed American, 0.0017%; no homozygotes.

Submission:

Labcorp Genetics (formerly Invitae), Labcorp
Classification: Uncertain significance. Last evaluated: 2024-09-27. Review status: criteria provided, single submitter. Criteria: Invitae Variant Classification Sherloc (09022015). Collection method: clinical testing. Allele origin: germline.
Comment: This sequence change replaces isoleucine, which is neutral and non-polar, with asparagine, which is neutral and polar, at codon 683 of the FBN3 protein (p.Ile683Asn). This variant is not present in population databases (gnomAD no frequency). This variant has not been reported in the literature in individuals affected with FBN3-related conditions. Invitae Evidence Modeling of protein sequence and biophysical properties (such as structural, functional, and spatial information, amino acid conservation, physicochemical variation, residue mobility, and thermodynamic stability) indicates that this missense variant is expected to disrupt FBN3 protein function with a positive predictive value of 80%. In summary, the available evidence is currently insufficient to determine the role of this variant in disease. Therefore, it has been classified as a Variant of Uncertain Significance.